The following is an entry in ClinVar:

NM_033026.6(PCLO):c.14278G>A (p.Val4760Ile)

Gene: PCLO (piccolo presynaptic cytomatrix protein; minus strand). Cytogenetic location: 7q21.11.
Variant type: single nucleotide variant.
Coding change: c.14278G>A on transcript NM_033026.6 (MANE Select); coding-DNA position 14278, G replaced by A.
Protein change: p.Val4760Ile; replaces valine 4760 with isoleucine.
Molecular consequence: missense variant.
Genome position (GRCh38, 1-based): chr7:82,827,938, C>T on the plus strand (G>A on the coding strand, the complement: PCLO is on the minus strand). VCF-style: chr7-82827938-C-T. GRCh37 (hg19) VCF-style: chr7-82457254-C-T.
Other names: c.14278G>A, p.Val4760Ile (NM_014510.3); short protein forms V4760I.
Identifiers: ClinVar variation 2134786 (VCV002134786.4), dbSNP rs1201777260, ClinGen allele CA368020911.

ClinVar aggregate classification (germline): Uncertain significance (1 of 4 stars; one submission).

gnomAD v4.1: 4 of 1,601,968 alleles (0.00025%); highest among the groups gnomAD compares: South Asian, 0.0033%; no homozygotes.

Submission:

Labcorp Genetics (formerly Invitae), Labcorp
Classification: Uncertain significance. Last evaluated: 2024-02-16. Review status: criteria provided, single submitter. Criteria: Invitae Variant Classification Sherloc (09022015). Collection method: clinical testing. Allele origin: germline.
Comment: This sequence change replaces valine, which is neutral and non-polar, with isoleucine, which is neutral and non-polar, at codon 4760 of the PCLO protein (p.Val4760Ile). The frequency data for this variant in the population databases is considered unreliable, as metrics indicate poor data quality at this position in the gnomAD database. This variant has not been reported in the literature in individuals affected with PCLO-related conditions. ClinVar contains an entry for this variant (Variation ID: 2134786). Experimental studies and prediction algorithms are not available or were not evaluated, and the functional significance of this variant is currently unknown. In summary, the available evidence is currently insufficient to determine the role of this variant in disease. Therefore, it has been classified as a Variant of Uncertain Significance.